The following is an entry in ClinVar:

NM_012431.3(SEMA3E):c.815A>G (p.Asn272Ser)

Gene: SEMA3E (semaphorin 3E; minus strand). Cytogenetic location: 7q21.11.
Variant type: single nucleotide variant.
Coding change: c.815A>G on transcript NM_012431.3 (MANE Select); coding-DNA position 815, A replaced by G.
Protein change: p.Asn272Ser; replaces asparagine 272 with serine.
Molecular consequence: missense variant.
Genome position (GRCh38, 1-based): chr7:83,406,058, T>C on the plus strand (A>G on the coding strand, the complement: SEMA3E is on the minus strand). VCF-style: chr7-83406058-T-C. GRCh37 (hg19) VCF-style: chr7-83035374-T-C.
Other names: c.635A>G, p.Asn212Ser (NM_001178129.2); short protein forms N272S, N212S.
Identifiers: ClinVar variation 2918712 (VCV002918712.3), dbSNP rs2484317802, ClinGen allele CA367930133.

ClinVar aggregate classification (germline): Uncertain significance (1 of 4 stars; one submission).

Conditions:
CHARGE syndrome (CHARGE). Also called: Hittner Hirsch Kreh syndrome; CHARGE ASSOCIATION--COLOBOMA, HEART ANOMALY, CHOANAL ATRESIA, RETARDATION, GENITAL AND EAR ANOMALIES; Coloboma, heart anomaly, choanal atresia, retardation, genital and ear anomalies; CHARGE association; Hall-Hittner syndrome. Identifiers: Orphanet 138, MedGen C0265354, MONDO:0008965.

Submission:

Labcorp Genetics (formerly Invitae), Labcorp
Classification: Uncertain significance for CHARGE syndrome. Last evaluated: 2023-02-03. Review status: criteria provided, single submitter. Criteria: Invitae Variant Classification Sherloc (09022015). Collection method: clinical testing. Allele origin: germline.
Comment: This variant is not present in population databases (gnomAD no frequency). This sequence change replaces asparagine, which is neutral and polar, with serine, which is neutral and polar, at codon 272 of the SEMA3E protein (p.Asn272Ser). This variant has not been reported in the literature in individuals affected with SEMA3E-related conditions. In summary, the available evidence is currently insufficient to determine the role of this variant in disease. Therefore, it has been classified as a Variant of Uncertain Significance. Algorithms developed to predict the effect of missense changes on protein structure and function are either unavailable or do not agree on the potential impact of this missense change (SIFT: "Deleterious"; PolyPhen-2: "Possibly Damaging"; Align-GVGD: "Class C0").